The following is an entry in ClinVar:

NM_015443.4(KANSL1):c.-90+420C>G

Gene: KANSL1 (KAT8 regulatory NSL complex subunit 1). Cytogenetic location: 17q21.31.
Variant type: single nucleotide variant.
Coding change: c.-90+420C>G on transcript NM_015443.4 (MANE Select); 420 bases into the intron after 90 bases upstream of the start codon, C replaced by G.
Molecular consequence: intron variant.
Genome position (GRCh38, 1-based): chr17:46,192,403, G>C on the plus strand (C>G on the coding strand, the complement: KANSL1 is on the minus strand). VCF-style: chr17-46192403-G-C. GRCh37 (hg19) VCF-style: chr17-44269769-G-C.
Other names: c.-89-20171C>G (NM_001193465.2, NM_001379198.1); c.-90+16C>G (NM_001193466.2).
Identifiers: ClinVar variation 509973 (VCV000509973.1), dbSNP rs189789192, ClinGen allele CA291130888.

ClinVar aggregate classification (germline): Likely benign (1 of 4 stars; one submission).

Allele frequency attached by ClinVar (database versions not stated): 1000 Genomes Project 30x 0.00016; 1000 Genomes Project 0.00020.
gnomAD v4.1: 4 of 152,534 alleles (0.0026%); highest among the groups gnomAD compares: Admixed American, 0.0065%; no homozygotes.

Submission:

GeneDx
Classification: Likely benign. Last evaluated: 2017-06-01. Review status: criteria provided, single submitter. Criteria: GeneDx Variant Classification (06012015). Collection method: clinical testing. Allele origin: germline. Affected: yes.
Comment: This variant is considered likely benign or benign based on one or more of the following criteria: it is a conservative change, it occurs at a poorly conserved position in the protein, it is predicted to be benign by multiple in silico algorithms, and/or has population frequency not consistent with disease.